The following is an entry in ClinVar:

ClinVar aggregate classification (germline): Uncertain significance (1 of 4 stars; one submission).

Conditions:
Hereditary diffuse gastric adenocarcinoma (HDGC). Also called: DIFFUSE GASTRIC AND LOBULAR BREAST CANCER SYNDROME. Identifiers: Orphanet 26106, MedGen C1708349, MONDO:0007648, OMIM 137215.

Submission:

Labcorp Genetics (formerly Invitae), Labcorp
Classification: Uncertain significance for Hereditary diffuse gastric adenocarcinoma. Last evaluated: 2023-08-15. Review status: criteria provided, single submitter. Criteria: Invitae Variant Classification Sherloc (09022015). Collection method: clinical testing. Allele origin: germline.
Comment: In summary, the available evidence is currently insufficient to determine the role of this variant in disease. Therefore, it has been classified as a Variant of Uncertain Significance. An algorithm developed to predict the effect of missense changes on protein structure and function (PolyPhen-2) suggests that this variant is likely to be disruptive. This variant has not been reported in the literature in individuals affected with CDH1-related conditions. This variant is not present in population databases (gnomAD no frequency). This sequence change replaces asparagine, which is neutral and polar, with threonine, which is neutral and polar, at codon 867 of the CDH1 protein (p.Asn867Thr).

NM_004360.5(CDH1):c.2600A>C (p.Asn867Thr)

Gene: CDH1 (cadherin 1; plus strand). Cytogenetic location: 16q22.1.
Variant type: single nucleotide variant.
Coding change: c.2600A>C on transcript NM_004360.5 (MANE Select); coding-DNA position 2600, A replaced by C.
Protein change: p.Asn867Thr; replaces asparagine 867 with threonine.
Molecular consequence: missense variant.
Genome position (GRCh38, 1-based): chr16:68,833,450, A>C. VCF-style: chr16-68833450-A-C. GRCh37 (hg19) VCF-style: chr16-68867353-A-C.
Other names: c.2417A>C, p.Asn806Thr (NM_001317184.2); c.1052A>C, p.Asn351Thr (NM_001317185.2); c.635A>C, p.Asn212Thr (NM_001317186.2); short protein forms N351T, N212T, N806T, N867T.
Identifiers: ClinVar variation 2915498 (VCV002915498.3), dbSNP rs587782623, ClinGen allele CA396472650.